The following is an entry in ClinVar:

ClinVar aggregate classification (germline): Uncertain significance. Review status: criteria provided, multiple submitters, no conflicts (2 of 4 stars). 3 submissions from 3 submitters: Uncertain significance (3). Last evaluated 2026-01-26.

Conditions:
Deficiency of alpha-mannosidase (MANSA). Also called: Mannosidosis, alpha-, types I and II; Alpha-Mannosidosis; LYSOSOMAL ALPHA-D-MANNOSIDASE DEFICIENCY. Identifiers: Orphanet 61, MedGen C0024748, MONDO:0009561, OMIM 248500.
Inborn genetic diseases. Identifiers: MedGen C0950123, MeSH D030342.

Allele frequency attached by ClinVar (database versions not stated): gnomAD exomes 0.00006 and 0.00023; gnomAD 0.00008 and 0.00009; TOPMed 0.00017.
gnomAD v4.1: 100 of 1,550,712 alleles (0.0064%); highest among the groups gnomAD compares: Admixed American, 0.076%; no homozygotes.

Submissions (3):

Labcorp Genetics (formerly Invitae), Labcorp
Classification: Uncertain significance for Deficiency of alpha-mannosidase. Last evaluated: 2026-01-26. Review status: criteria provided, single submitter. Criteria: Invitae Variant Classification Sherloc (09022015). Collection method: clinical testing. Allele origin: germline.
Comment: This sequence change replaces glutamic acid, which is acidic and polar, with lysine, which is basic and polar, at codon 473 of the MAN2B1 protein (p.Glu473Lys). This variant is present in population databases (rs749371047, gnomAD 0.07%). This variant has not been reported in the literature in individuals affected with MAN2B1-related conditions. ClinVar contains an entry for this variant (Variation ID: 1520442). An algorithm developed to predict the effect of missense changes on protein structure and function (PolyPhen-2) suggests that this variant is likely to be tolerated. In summary, the available evidence is currently insufficient to determine the role of this variant in disease. Therefore, it has been classified as a Variant of Uncertain Significance.

Mayo Clinic Laboratories, Mayo Clinic
Classification: Uncertain significance. Last evaluated: 2024-09-30. Review status: criteria provided, single submitter. Criteria: ACMG Guidelines, 2015. Collection method: clinical testing. Allele origin: germline. Observed: 1 variant allele.
Comment: BP4, PM2_supporting

Ambry Genetics
Classification: Uncertain significance for Inborn genetic diseases. Last evaluated: 2021-09-16. Review status: criteria provided, single submitter. Criteria: Ambry Variant Classification Scheme 2023. Collection method: clinical testing. Allele origin: germline.

NM_000528.4(MAN2B1):c.1417G>A (p.Glu473Lys)

Genes: MAN2B1 (mannosidase alpha class 2B member 1; minus strand), LOC129391064 (MPRA-validated peak3365 silencer; plus strand). Cytogenetic location: 19p13.13.
Variant type: single nucleotide variant.
Coding change: c.1417G>A on transcript NM_000528.4 (MANE Select); coding-DNA position 1417, G replaced by A.
Protein change: p.Glu473Lys; replaces glutamic acid 473 with lysine.
Molecular consequence: missense variant.
Genome position (GRCh38, 1-based): chr19:12,657,448, C>T on the plus strand (G>A on the coding strand, the complement: MAN2B1 is on the minus strand). VCF-style: chr19-12657448-C-T. GRCh37 (hg19) VCF-style: chr19-12768262-C-T.
Other names: p.Glu473Lys; c.1414G>A, p.Glu472Lys (NM_001173498.2); c.1417G>A (NM_000528.3); short protein forms E472K, E473K.
Identifiers: ClinVar variation 1520442 (VCV001520442.6), dbSNP rs749371047, ClinGen allele CA9226473.